The following is an entry in ClinVar:

NM_000222.3(KIT):c.552G>C (p.Leu184=)

Gene: KIT (KIT proto-oncogene, receptor tyrosine kinase; plus strand). Cytogenetic location: 4q12.
Variant type: single nucleotide variant.
Coding change: c.552G>C on transcript NM_000222.3 (MANE Select); coding-DNA position 552, G replaced by C.
Protein change: p.Leu184=; no amino-acid change (leucine 184 retained).
Molecular consequence: synonymous variant.
Genome position (GRCh38, 1-based): chr4:54,698,498, G>C. VCF-style: chr4-54698498-G-C. GRCh37 (hg19) VCF-style: chr4-55564664-G-C.
Other names: c.552G>C, p.Leu184= (NM_001385290.1, NM_001385292.1, NM_001093772.2 and 4 more transcripts).
Identifiers: ClinVar variation 3864524 (VCV003864524.3).

ClinVar aggregate classification (germline): Benign/Likely benign. Review status: criteria provided, multiple submitters, no conflicts (2 of 4 stars). 3 submissions from 3 submitters: Benign (1); Likely benign (2). Last evaluated 2026-06-02.

Conditions:
Gastrointestinal stromal tumor. Also called: Gastrointestinal stromal tumor, somatic; Gastrointestinal stroma tumor. Identifiers: Orphanet 44890, MedGen C0238198, MeSH D046152, MONDO:0011719, OMIM 606764, HP:0100723.
Hereditary cancer-predisposing syndrome. Also called: Neoplastic Syndromes, Hereditary; Tumor predisposition; Hereditary Cancer Syndrome; Hereditary neoplastic syndrome. Identifiers: Orphanet 140162, MedGen C0027672, MeSH D009386, MONDO:0015356.

Submissions (3):

Myriad Genetics, Inc.
Classification: Benign for Gastrointestinal stromal tumor. Last evaluated: 2026-06-02. Review status: criteria provided, single submitter. Criteria: Myriad Autosomal Dominant, Autosomal Recessive and X-Linked Classification Criteria (2023). Collection method: clinical testing. Allele origin: unknown.
Comment: This variant is considered benign. This variant is a silent/synonymous amino acid change and it is not expected to impact splicing.

Labcorp Genetics (formerly Invitae), Labcorp
Classification: Likely benign for Gastrointestinal stromal tumor. Last evaluated: 2025-06-03. Review status: criteria provided, single submitter. Criteria: Invitae Variant Classification Sherloc (09022015). Collection method: clinical testing. Allele origin: germline.

Ambry Genetics
Classification: Likely benign for Hereditary cancer-predisposing syndrome. Last evaluated: 2024-12-14. Review status: criteria provided, single submitter. Criteria: Ambry Variant Classification Scheme 2023. Collection method: clinical testing. Allele origin: germline.